The following is an entry in ClinVar:

NM_001351132.2(PEX5):c.548G>A (p.Arg183His)

Gene: PEX5 (peroxisomal biogenesis factor 5; plus strand). Cytogenetic location: 12p13.31.
Variant type: single nucleotide variant.
Coding change: c.548G>A on transcript NM_001351132.2 (MANE Select); coding-DNA position 548, G replaced by A.
Protein change: p.Arg183His; replaces arginine 183 with histidine.
Molecular consequence: missense variant.
Genome position (GRCh38, 1-based): chr12:7,199,110, G>A. VCF-style: chr12-7199110-G-A. GRCh37 (hg19) VCF-style: chr12-7351706-G-A.
Other names: c.548G>A, p.Arg183His (NM_000319.5, NM_001131024.2, NM_001131025.2 and 19 more transcripts); c.593G>A, p.Arg198His (NM_001131023.2, NM_001351135.3, NM_001351138.2); short protein forms R183H, R198H.
Identifiers: ClinVar variation 1345803 (VCV001345803.8), dbSNP rs772215584, ClinGen allele CA6426165.

ClinVar aggregate classification (germline): Conflicting classifications of pathogenicity. Review status: criteria provided, conflicting classifications (1 of 4 stars). 2 submissions from 2 submitters: Uncertain significance (1); Likely benign (1). Last evaluated 2024-10-30.

Conditions:
Peroxisome biogenesis disorder 2B (PBD2B). Identifiers: Orphanet 44, MedGen C3550234, MONDO:0008736, OMIM 202370.

Allele frequency attached by ClinVar (database versions not stated): gnomAD exomes below 0.00001; gnomAD 0.00001; TOPMed 0.00001; ExAC 0.00002.

Submissions (2):

Labcorp Genetics (formerly Invitae), Labcorp
Classification: Uncertain significance for Peroxisome biogenesis disorder 2B. Last evaluated: 2024-10-30. Review status: criteria provided, single submitter. Criteria: Invitae Variant Classification Sherloc (09022015). Collection method: clinical testing. Allele origin: germline.
Comment: This sequence change replaces arginine, which is basic and polar, with histidine, which is basic and polar, at codon 183 of the PEX5 protein (p.Arg183His). The frequency data for this variant in the population databases is considered unreliable, as metrics indicate poor data quality at this position in the gnomAD database. This variant has not been reported in the literature in individuals affected with PEX5-related conditions. ClinVar contains an entry for this variant (Variation ID: 1345803). Invitae Evidence Modeling of protein sequence and biophysical properties (such as structural, functional, and spatial information, amino acid conservation, physicochemical variation, residue mobility, and thermodynamic stability) indicates that this missense variant is not expected to disrupt PEX5 protein function with a negative predictive value of 80%. In summary, the available evidence is currently insufficient to determine the role of this variant in disease. Therefore, it has been classified as a Variant of Uncertain Significance.

Blueprint Genetics
Classification: Likely benign. Last evaluated: 2021-07-13. Review status: criteria provided, single submitter. Criteria: ACMG Guidelines, 2015. Collection method: clinical testing. Allele origin: germline.